The following is an entry in ClinVar:

ClinVar aggregate classification (germline): Pathogenic (1 of 4 stars; one submission).

Conditions:
Alstrom syndrome (ALMS). Identifiers: Orphanet 64, MedGen C0268425, MONDO:0008763, OMIM 203800.

Allele frequency attached by ClinVar (database versions not stated): gnomAD exomes below 0.00001; gnomAD 0.00001; TOPMed 0.00001.
gnomAD v4.1: 7 of 1,060,726 alleles (0.00066%); highest among the groups gnomAD compares: Non-Finnish European, 0.00071%; no homozygotes.

Submission:

Labcorp Genetics (formerly Invitae), Labcorp
Classification: Pathogenic for Alstrom syndrome. Last evaluated: 2024-01-20. Review status: criteria provided, single submitter. Criteria: Invitae Variant Classification Sherloc (09022015). Collection method: clinical testing. Allele origin: germline.
Comment: This sequence change creates a premature translational stop signal (p.Glu22*) in the ALMS1 gene. It is expected to result in an absent or disrupted protein product. Loss-of-function variants in ALMS1 are known to be pathogenic (PMID: 17594715). This variant is not present in population databases (gnomAD no frequency). This variant has not been reported in the literature in individuals affected with ALMS1-related conditions. ClinVar contains an entry for this variant (Variation ID: 1379631). For these reasons, this variant has been classified as Pathogenic.

Literature cited by the submitters: PubMed 17594715.

NM_001378454.1(ALMS1):c.61G>T (p.Glu21Ter)

Gene: ALMS1 (ALMS1 centrosome and basal body associated protein; plus strand). Cytogenetic location: 2p13.1.
Variant type: single nucleotide variant.
Coding change: c.61G>T on transcript NM_001378454.1 (MANE Select); coding-DNA position 61, G replaced by T.
Protein change: p.Glu21Ter; replaces glutamic acid 21 with a stop codon.
Molecular consequence: nonsense.
Genome position (GRCh38, 1-based): chr2:73,385,929, G>T. VCF-style: chr2-73385929-G-T. GRCh37 (hg19) VCF-style: chr2-73613057-G-T.
Other names: c.64G>T, p.Glu22Ter (NM_015120.4); short protein forms E22*, E21*.
Identifiers: ClinVar variation 1379631 (VCV001379631.7), dbSNP rs1438410766, ClinGen allele CA347250516.